The following is an entry in ClinVar:

NM_018082.6(POLR3B):c.3173A>G (p.Tyr1058Cys)

Genes: POLR3B (RNA polymerase III subunit B; plus strand), RFX4-AS1 (RFX4 antisense RNA 1; minus strand). Cytogenetic location: 12q23.3.
Variant type: single nucleotide variant.
Coding change: c.3173A>G on transcript NM_018082.6 (MANE Select); coding-DNA position 3173, A replaced by G.
Protein change: p.Tyr1058Cys; replaces tyrosine 1058 with cysteine.
Molecular consequence: missense variant.
Genome position (GRCh38, 1-based): chr12:106,504,155, A>G. VCF-style: chr12-106504155-A-G. GRCh37 (hg19) VCF-style: chr12-106897933-A-G.
Other names: NM_018082.6(POLR3B):c.3173A>G; p.Tyr1058Cys; c.2999A>G, p.Tyr1000Cys (NM_001160708.2); short protein forms Y1058C, Y1000C.
Identifiers: ClinVar variation 211934 (VCV000211934.12), dbSNP rs751459271, ClinGen allele CA277108.

ClinVar aggregate classification (germline): Conflicting classifications of pathogenicity. Review status: criteria provided, conflicting classifications (1 of 4 stars). 4 submissions from 4 submitters: Likely pathogenic (1); Uncertain significance (3). Last evaluated 2024-11-11.

Conditions:
Inborn genetic diseases. Identifiers: MedGen C0950123, MeSH D030342.
Leukodystrophy, hypomyelinating, 8, with or without oligodontia and/or hypogonadotropic hypogonadism. Also called: LEUKODYSTROPHY, HYPOMYELINATING, 8, WITH HYPODONTIA AND HYPOGONADOTROPIC HYPOGONADISM; Hypomyelinating leukodystrophy 8 with or without oligodontia and-or hypogonadotropic hypogonadism; Endosteal sclerosis-cerebellar hypoplasia syndrome. Identifiers: Orphanet 85186, Orphanet 88637, MedGen C3280644, MONDO:0013722, OMIM 614381.

Allele frequency attached by ClinVar (database versions not stated): TOPMed below 0.00001; gnomAD 0.00001; ExAC 0.00002; gnomAD exomes 0.00002 and 0.00004.
gnomAD v4.1: 11 of 1,614,046 alleles (0.00068%); highest among the groups gnomAD compares: Admixed American, 0.017%; no homozygotes.

Submissions (4):

Labcorp Genetics (formerly Invitae), Labcorp
Classification: Uncertain significance. Last evaluated: 2024-11-11. Review status: criteria provided, single submitter. Criteria: Invitae Variant Classification Sherloc (09022015). Collection method: clinical testing. Allele origin: germline.
Comment: This sequence change replaces tyrosine, which is neutral and polar, with cysteine, which is neutral and slightly polar, at codon 1058 of the POLR3B protein (p.Tyr1058Cys). This variant is present in population databases (rs751459271, gnomAD 0.03%). This missense change has been observed in individual(s) with leukodystrophy (internal data). In at least one individual the data is consistent with being in trans (on the opposite chromosome) from a pathogenic variant. ClinVar contains an entry for this variant (Variation ID: 211934). Invitae Evidence Modeling of protein sequence and biophysical properties (such as structural, functional, and spatial information, amino acid conservation, physicochemical variation, residue mobility, and thermodynamic stability) indicates that this missense variant is expected to disrupt POLR3B protein function with a positive predictive value of 80%. In summary, the available evidence is currently insufficient to determine the role of this variant in disease. Therefore, it has been classified as a Variant of Uncertain Significance.

Ambry Genetics
Classification: Uncertain significance for Inborn genetic diseases. Last evaluated: 2024-03-20. Review status: criteria provided, single submitter. Criteria: Ambry Variant Classification Scheme 2023. Collection method: clinical testing. Allele origin: germline.

Broad Center for Mendelian Genomics, Broad Institute of MIT and Harvard
Classification: Uncertain significance for Leukodystrophy, hypomyelinating, 8, with or without oligodontia and/or hypogonadotropic hypogonadism. Last evaluated: 2022-02-28. Review status: criteria provided, single submitter. Criteria: ACMG Guidelines, 2015. Collection method: curation. Allele origin: germline. Inheritance: Autosomal recessive inheritance.
Comment: The p.Tyr1058Cys variant in POLR3B has not been previously reported in the literature in individuals with 4H leukodystrophy but has been identified in 0.03% (9/34588) of Latino/Admixed American chromosomes by the Genome Aggregation Database (gnomAD; dbSNP ID: rs751459271). Although this variant has been seen in the general population in a heterozygous state, its frequency is not high enough to rule out a pathogenic role. This variant has also been reported in ClinVar (Variation ID#: 211934) and has been interpreted as likely pathogenic by Genetic Services Laboratory (University of Chicago). Computational prediction tools and conservation analyses suggest that this variant may impact the protein, though this information is not predictive enough to determine pathogenicity. The number of missense variants reported in POLR3B in the general population is lower than expected, suggesting there is little benign variation in this gene and slightly increasing the possibility that a missense variant in this gene may not be tolerated. In summary, the clinical significance of the p.Tyr1058Cys variant is uncertain. ACMG/AMP Criteria applied: PP3, PP2 (Richards 2015).

Genetic Services Laboratory, University of Chicago
Classification: Likely pathogenic for Leukodystrophy, hypomyelinating, 8, with or without oligodontia and/or hypogonadotropic hypogonadism. Last evaluated: 2014-12-05. Review status: criteria provided, single submitter. Criteria: ACMG Guidelines, 2015. Collection method: clinical testing. Allele origin: germline. Affected: yes.